The following is an entry in ClinVar:

ClinVar aggregate classification (germline): Conflicting classifications of pathogenicity. Review status: criteria provided, conflicting classifications (1 of 4 stars). 11 submissions from 11 submitters: Uncertain significance (1); Benign (1); Likely benign (8). 1 of the submissions does not count toward it. Last evaluated 2026-02-02.

Conditions:
MYH7-related disorder. Also called: MYH7-related condition; MYH7-related disease; MYH7-related disorders.
Cardiovascular phenotype. Identifiers: MedGen CN230736.
Cardiomyopathy (CMYO). Also called: Cardiomyopathies. Identifiers: Orphanet 167848, MedGen C0878544, MONDO:0004994, HP:0001638. Inheritance: Various modes of inheritance.
Hypertrophic cardiomyopathy. Also called: HYPERTROPHIC MYOCARDIOPATHY. Identifiers: Orphanet 217569, MedGen C0007194, MeSH D002312, MONDO:0005045, HP:0001639.

Allele frequency attached by ClinVar (database versions not stated): gnomAD 0.00005 and 0.00006; gnomAD exomes 0.00007 and 0.00008; TOPMed 0.00008; ExAC 0.00010.
gnomAD v4.1: 111 of 1,612,770 alleles (0.0069%); highest among the groups gnomAD compares: Middle Eastern, 0.04%; no homozygotes.

Submissions (11):

Labcorp Genetics (formerly Invitae), Labcorp
Classification: Likely benign for Hypertrophic cardiomyopathy. Last evaluated: 2026-02-02. Review status: criteria provided, single submitter. Criteria: Invitae Variant Classification Sherloc (09022015). Collection method: clinical testing. Allele origin: germline.

Blueprint Genetics
Classification: Likely benign. Last evaluated: 2024-11-15. Review status: criteria provided, single submitter. Criteria: ACMG Guidelines, 2015. Collection method: clinical testing. Allele origin: germline.

CHEO Genetics Diagnostic Laboratory, Children's Hospital of Eastern Ontario
Classification: Likely benign for Cardiomyopathy. Last evaluated: 2023-04-04. Review status: criteria provided, single submitter. Criteria: ACMG Guidelines, 2015. Collection method: clinical testing. Allele origin: germline.

Molecular Diagnostic Laboratory for Inherited Cardiovascular Disease, Montreal Heart Institute
Classification: Likely benign. Last evaluated: 2019-12-19. Review status: criteria provided, single submitter. Criteria: ACMG Guidelines, 2015. Collection method: clinical testing. Allele origin: germline. Affected: yes.

Ambry Genetics
Classification: Likely benign for Cardiovascular phenotype. Last evaluated: 2019-06-28. Review status: criteria provided, single submitter. Criteria: Ambry Variant Classification Scheme 2023. Collection method: clinical testing. Allele origin: germline.

Color Diagnostics, LLC DBA Color Health
Classification: Likely benign for Cardiomyopathy. Last evaluated: 2018-11-03. Review status: criteria provided, single submitter. Criteria: ACMG Guidelines, 2015. Collection method: clinical testing. Allele origin: germline.

Genetic Services Laboratory, University of Chicago
Classification: Likely benign. Last evaluated: 2017-11-03. Review status: criteria provided, single submitter. Criteria: ACMG Guidelines, 2015. Collection method: clinical testing. Allele origin: germline. Affected: no.

Laboratory for Molecular Medicine, Mass General Brigham Personalized Medicine
Classification: Likely benign. Last evaluated: 2015-08-13. Review status: criteria provided, single submitter. Criteria: LMM Criteria. Collection method: clinical testing. Allele origin: germline. Observed: 1 variant allele.
Comment: p.Ala1394Ala in exon 31 of MYH7: This variant is not expected to have clinical s ignificance because it does not alter an amino acid residue and is not located w ithin the splice consensus sequence. It has been identified in 11/66390 European chromosomes by the Exome Aggregation Consortium (ExAC).

Eurofins Ntd Llc (ga)
Classification: Uncertain significance. Last evaluated: 2015-06-23. Review status: criteria provided, single submitter. Criteria: EGL Classification Definitions 2015. Collection method: clinical testing. Allele origin: germline. Observed: 1 variant allele, 1 heterozygote.

GeneDx
Classification: Benign. Last evaluated: 2015-03-03. Review status: criteria provided, single submitter. Criteria: GeneDx Variant Classification Process June 2021. Collection method: clinical testing. Allele origin: germline. Affected: yes.

PreventionGenetics, part of Exact Sciences
Classification: Likely benign for MYH7-related condition. Last evaluated: 2020-10-02. Review status: no assertion criteria provided. Collection method: clinical testing. Allele origin: germline. Not counted in ClinVar's aggregate classification.
Comment: This variant is classified as likely benign based on ACMG/AMP sequence variant interpretation guidelines (Richards et al. 2015 PMID: 25741868, with internal and published modifications).

NM_000257.4(MYH7):c.4182C>T (p.Ala1394=)

Gene: MYH7 (myosin heavy chain 7; minus strand). Cytogenetic location: 14q11.2.
Variant type: single nucleotide variant.
Coding change: c.4182C>T on transcript NM_000257.4 (MANE Select); coding-DNA position 4182, C replaced by T.
Protein change: p.Ala1394=; no amino-acid change (alanine 1394 retained).
Molecular consequence: synonymous variant.
Genome position (GRCh38, 1-based): chr14:23,417,674, G>A on the plus strand (C>T on the coding strand, the complement: MYH7 is on the minus strand). VCF-style: chr14-23417674-G-A. GRCh37 (hg19) VCF-style: chr14-23886883-G-A.
Identifiers: ClinVar variation 188632 (VCV000188632.35), dbSNP rs765895405, ClinGen allele CA014568.
Genomic context (GRCh38, chr14:23,417,674, plus strand): 5'-CAGCGAGGAGCACTTGGCATTAACAGCCTCCACGGCCTCCTCAGCTTCCTGCAGCCGCTG[G>A]GCCAGCTTCTTCCTGCCCAGGGGAGGGTGGCAGAGGGTGGGGAGGATGGAGGGTGTGGAT-3'
Protein context (NP_000248.2, residues 1384-1404): EELEEAKKKL[Ala1394=]QRLQEAEEAV